The following is an entry in ClinVar:

ClinVar aggregate classification (germline): Uncertain significance. Review status: criteria provided, multiple submitters, no conflicts (2 of 4 stars). 5 submissions from 5 submitters: Uncertain significance (5). Last evaluated 2025-08-01.

Conditions:
RAD51C-related disorder. Also called: RAD51C-related condition; RAD51C-related disorders.
Fanconi anemia complementation group O. Also called: RAD51C-Related Fanconi Anemia. Identifiers: Orphanet 84, MedGen C3150653, MONDO:0013248, OMIM 613390.
Breast-ovarian cancer, familial, susceptibility to, 3. Also called: RAD51C-Related Breast/Ovarian Cancer. Identifiers: Orphanet 145, MedGen C3150659, MONDO:0013253, OMIM 613399.
Hereditary cancer-predisposing syndrome. Also called: Neoplastic Syndromes, Hereditary; Hereditary Cancer Syndrome; Tumor predisposition; Hereditary neoplastic syndrome. Identifiers: Orphanet 140162, MedGen C0027672, MeSH D009386, MONDO:0015356.

Allele frequency attached by ClinVar (database versions not stated): gnomAD 0.00001; TOPMed 0.00002.
gnomAD v4.1: 4 of 1,609,318 alleles (0.00025%); highest among the groups gnomAD compares: African/African-American, 0.0053%; no homozygotes.

Submissions (5):

Ambry Genetics
Classification: Uncertain significance for Hereditary cancer-predisposing syndrome. Last evaluated: 2025-08-01. Review status: criteria provided, single submitter. Criteria: Ambry Variant Classification Scheme 2023. Collection method: clinical testing. Allele origin: germline.
Comment: The p.A300V variant (also known as c.899C>T), located in coding exon 6 of the RAD51C gene, results from a C to T substitution at nucleotide position 899. The alanine at codon 300 is replaced by valine, an amino acid with similar properties. This amino acid position is highly conserved in available vertebrate species. In addition, the in silico prediction for this alteration is inconclusive. Since supporting evidence is limited at this time, the clinical significance of this alteration remains unclear.

PreventionGenetics, part of Exact Sciences
Classification: Uncertain significance for RAD51C-related condition. Last evaluated: 2025-07-23. Review status: criteria provided, single submitter. Criteria: ACMG Guidelines, 2015. Collection method: clinical testing. Allele origin: germline.
Comment: The RAD51C c.899C>T variant is predicted to result in the amino acid substitution p.Ala300Val. This alteration has been reported as a variant of uncertain significance in individuals with cancer (breast, endometrial; George et al. 2021. PubMed ID: 33646313; Ring et al. 2016. PubMed ID: 27443514). This variant has not been reported in gnomAD, indicating it is rare. In ClinVar, this variant is classified as uncertain (Variation ID: 482166). At this time, the clinical significance of this variant is uncertain due to the absence of conclusive functional and genetic evidence.

Labcorp Genetics (formerly Invitae), Labcorp
Classification: Uncertain significance for Fanconi anemia complementation group O. Last evaluated: 2024-10-30. Review status: criteria provided, single submitter. Criteria: Invitae Variant Classification Sherloc (09022015). Collection method: clinical testing. Allele origin: germline.
Comment: This sequence change replaces alanine, which is neutral and non-polar, with valine, which is neutral and non-polar, at codon 300 of the RAD51C protein (p.Ala300Val). This variant is not present in population databases (gnomAD no frequency). This missense change has been observed in individual(s) with breast cancer (PMID: 33646313). ClinVar contains an entry for this variant (Variation ID: 482166). Invitae Evidence Modeling of protein sequence and biophysical properties (such as structural, functional, and spatial information, amino acid conservation, physicochemical variation, residue mobility, and thermodynamic stability) has been performed for this missense variant. However, the output from this modeling did not meet the statistical confidence thresholds required to predict the impact of this variant on RAD51C protein function. In summary, the available evidence is currently insufficient to determine the role of this variant in disease. Therefore, it has been classified as a Variant of Uncertain Significance.

Fulgent Genetics
Classification: Uncertain significance for Fanconi anemia complementation group O; Breast-ovarian cancer, familial, susceptibility to, 3. Last evaluated: 2024-05-28. Review status: criteria provided, single submitter. Criteria: ACMG Guidelines, 2015. Collection method: clinical testing. Allele origin: germline.

Baylor Genetics
Classification: Uncertain significance for Breast-ovarian cancer, familial, susceptibility to, 3. Last evaluated: 2023-12-02. Review status: criteria provided, single submitter. Criteria: ACMG Guidelines, 2015. Collection method: clinical testing. Allele origin: unknown.

Literature cited by the submitters: PubMed 33646313 (cited by Labcorp Genetics (formerly Invitae), Labcorp).

NM_058216.3(RAD51C):c.899C>T (p.Ala300Val)

Gene: RAD51C (RAD51 paralog C; plus strand). Cytogenetic location: 17q22.
Variant type: single nucleotide variant.
Coding change: c.899C>T on transcript NM_058216.3 (MANE Select); coding-DNA position 899, C replaced by T.
Protein change: p.Ala300Val; replaces alanine 300 with valine.
Molecular consequence: missense variant. On other transcripts: non-coding transcript variant (1).
Genome position (GRCh38, 1-based): chr17:58,720,807, C>T. VCF-style: chr17-58720807-C-T. GRCh37 (hg19) VCF-style: chr17-56798168-C-T.
Other names: short protein forms A300V.
Identifiers: ClinVar variation 482166 (VCV000482166.20), dbSNP rs1444333199, ClinGen allele CA400359804.